The following is an entry in ClinVar:

ClinVar aggregate classification (germline): Uncertain significance. Review status: criteria provided, multiple submitters, no conflicts (2 of 4 stars). 2 submissions from 2 submitters: Uncertain significance (2). Last evaluated 2026-02-25.

Conditions:
Infantile hypertrophic cardiomyopathy due to MRPL44 deficiency. Also called: Combined oxidative phosphorylation deficiency 16. Identifiers: Orphanet 352563, MedGen C3809339, MONDO:0014162, OMIM 615395.

Allele frequency attached by ClinVar (database versions not stated): gnomAD 0.00022 and 0.00019; ESP Exome Variant Server 0.00023; TOPMed 0.00023.
gnomAD v4.1: 91 of 1,614,096 alleles (0.0056%); highest among the groups gnomAD compares: African/African-American, 0.051%; no homozygotes.

Submissions (2):

GeneDx
Classification: Uncertain significance. Last evaluated: 2026-02-25. Review status: criteria provided, single submitter. Criteria: GeneDx Variant Classification Process June 2021. Collection method: clinical testing. Allele origin: germline.
Comment: In silico analysis suggests that this missense variant does not alter protein structure/function; Has not been previously published as pathogenic or benign to our knowledge

Labcorp Genetics (formerly Invitae), Labcorp
Classification: Uncertain significance. Last evaluated: 2022-03-29. Review status: criteria provided, single submitter. Criteria: Invitae Variant Classification Sherloc (09022015). Collection method: clinical testing. Allele origin: germline.
Comment: In summary, the available evidence is currently insufficient to determine the role of this variant in disease. Therefore, it has been classified as a Variant of Uncertain Significance. Algorithms developed to predict the effect of missense changes on protein structure and function output the following: SIFT: "Deleterious"; PolyPhen-2: "Benign"; Align-GVGD: "Class C0". The methionine amino acid residue is found in multiple mammalian species, which suggests that this missense change does not adversely affect protein function. ClinVar contains an entry for this variant (Variation ID: 585160). This variant has not been reported in the literature in individuals affected with MRPL44-related conditions. This variant is present in population databases (rs141821599, gnomAD 0.06%). This sequence change replaces valine, which is neutral and non-polar, with methionine, which is neutral and non-polar, at codon 166 of the MRPL44 protein (p.Val166Met).

NM_022915.5(MRPL44):c.496G>A (p.Val166Met)

Gene: MRPL44 (mitochondrial ribosomal protein L44; plus strand). Cytogenetic location: 2q36.1.
Variant type: single nucleotide variant.
Coding change: c.496G>A on transcript NM_022915.5 (MANE Select); coding-DNA position 496, G replaced by A.
Protein change: p.Val166Met; replaces valine 166 with methionine.
Molecular consequence: missense variant.
Genome position (GRCh38, 1-based): chr2:223,959,850, G>A. VCF-style: chr2-223959850-G-A. GRCh37 (hg19) VCF-style: chr2-224824567-G-A.
Other names: short protein forms V166M.
Identifiers: ClinVar variation 585160 (VCV000585160.8), dbSNP rs141821599, ClinGen allele CA2139055.